The following is an entry in ClinVar:

NM_001358530.2(MOCS1):c.432G>A (p.Arg144=)

Gene: MOCS1 (molybdenum cofactor synthesis 1; minus strand). Cytogenetic location: 6p21.2.
Variant type: single nucleotide variant.
Coding change: c.432G>A on transcript NM_001358530.2 (MANE Select); coding-DNA position 432, G replaced by A.
Protein change: p.Arg144=; no amino-acid change (arginine 144 retained).
Molecular consequence: synonymous variant. On other transcripts: non-coding transcript variant (1).
Genome position (GRCh38, 1-based): chr6:39,916,219, C>T on the plus strand (G>A on the coding strand, the complement: MOCS1 is on the minus strand). VCF-style: chr6-39916219-C-T. GRCh37 (hg19) VCF-style: chr6-39883963-C-T.
Other names: c.432G>A, p.Arg144= (NM_001075098.4, NM_001358529.2, NM_005943.6); c.171G>A, p.Arg57= (NM_001358531.2, NM_001358533.2, NM_001358534.2).
Identifiers: ClinVar variation 2111470 (VCV002111470.4), dbSNP rs146079919, ClinGen allele CA3796277.

ClinVar aggregate classification (germline): Uncertain significance (1 of 4 stars; one submission).

Conditions:
Sulfite oxidase deficiency due to molybdenum cofactor deficiency type A. Also called: Molybdenum cofactor deficiency, complementation group A; Molybdenum Cofactor Deficiency A. Identifiers: Orphanet 308386, Orphanet 833, MedGen C1854988, MONDO:0009643, OMIM 252150.

Allele frequency attached by ClinVar (database versions not stated): ExAC 0.00001; TOPMed 0.00001; ESP Exome Variant Server 0.00008.
gnomAD v4.1: 2 of 1,613,750 alleles (0.00012%); highest among the groups gnomAD compares: African/African-American, 0.0027%; no homozygotes.

Submission:

Labcorp Genetics (formerly Invitae), Labcorp
Classification: Uncertain significance for Sulfite oxidase deficiency due to molybdenum cofactor deficiency type A. Last evaluated: 2022-08-21. Review status: criteria provided, single submitter. Criteria: Invitae Variant Classification Sherloc (09022015). Collection method: clinical testing. Allele origin: germline.
Comment: This variant is present in population databases (rs146079919, gnomAD 0.007%). In summary, the available evidence is currently insufficient to determine the role of this variant in disease. Therefore, it has been classified as a Variant of Uncertain Significance. This variant has not been reported in the literature in individuals affected with MOCS1-related conditions. This sequence change affects codon 144 of the MOCS1 mRNA. It is a 'silent' change, meaning that it does not change the encoded amino acid sequence of the MOCS1 protein.